The following is an entry in ClinVar:

ClinVar aggregate classification (germline): Likely pathogenic (1 of 4 stars; one submission).

Submission:

Labcorp Genetics (formerly Invitae), Labcorp
Classification: Likely pathogenic. Last evaluated: 2022-07-05. Review status: criteria provided, single submitter. Criteria: Invitae Variant Classification Sherloc (09022015). Collection method: clinical testing. Allele origin: germline.
Comment: This variant results in the deletion of part of exon 27 (c.4150-32_4212del) of the PKD1L1 gene. It is expected to disrupt RNA splicing. Variants that disrupt the donor or acceptor splice site typically lead to a loss of protein function (PMID: 16199547), and loss-of-function variants in PKD1L1 are known to be pathogenic (PMID: 27616478). This variant is not present in population databases (gnomAD no frequency). This variant has not been reported in the literature in individuals affected with PKD1L1-related conditions. Algorithms developed to predict the effect of sequence changes on RNA splicing suggest that this variant may disrupt the consensus splice site. In summary, the currently available evidence indicates that the variant is pathogenic, but additional data are needed to prove that conclusively. Therefore, this variant has been classified as Likely Pathogenic.

Literature cited by the submitters: PubMed 16199547; PubMed 27616478.

NM_138295.5(PKD1L1):c.4150-32_4212del

Gene: PKD1L1 (polycystin 1 like 1, transient receptor potential channel interacting; minus strand). Cytogenetic location: 7p12.3.
Variant type: Deletion.
Coding change: c.4150-32_4212del on transcript NM_138295.5 (MANE Select); 32 bases into the intron before coding-DNA position 4150 through coding-DNA position 4212, 95 bases deleted.
Molecular consequence: splice acceptor variant.
Genome position (GRCh38, 1-based): chr7:47,858,823-47,858,917, 95 bases deleted. GRCh37 (hg19): chr7:47,898,451-47,898,545.
Identifiers: ClinVar variation 2046938 (VCV002046938.1), dbSNP rs2484009005, ClinGen allele CA1101011588.